The following is an entry in ClinVar:

NM_000264.5(PTCH1):c.1807C>G (p.Arg603Gly)

Genes: PTCH1 (patched 1; minus strand), LOC100507346 (uncharacterized LOC100507346; plus strand). Cytogenetic location: 9q22.32.
Variant type: single nucleotide variant.
Coding change: c.1807C>G on transcript NM_000264.5 (MANE Select); coding-DNA position 1807, C replaced by G.
Protein change: p.Arg603Gly; replaces arginine 603 with glycine.
Molecular consequence: missense variant. On other transcripts: non-coding transcript variant (2).
Genome position (GRCh38, 1-based): chr9:95,469,853, G>C on the plus strand (C>G on the coding strand, the complement: PTCH1 is on the minus strand). VCF-style: chr9-95469853-G-C. GRCh37 (hg19) VCF-style: chr9-98232135-G-C.
Other names: c.1609C>G, p.Arg537Gly (NM_001083602.3); c.1804C>G, p.Arg602Gly (NM_001083603.3); c.1354C>G, p.Arg452Gly (NM_001083604.3, NM_001083605.3, NM_001083606.3 and 1 more transcripts); c.1651C>G, p.Arg551Gly (NM_001354918.2); short protein forms R452G, R537G, R551G, R602G, R603G.
Identifiers: ClinVar variation 4530398 (VCV004530398.1).
Genomic context (GRCh38, chr9:95,469,853, plus strand): 5'-ACAGCAGTCTGAAAATGTACCTTGTAAAACAGCAGAAAATATCCAGTCTCCTGTCCTCGC[G>C]TCGATATAAATCCATGCTGAGAATTGCAGGAAAAATGAGCAGAACCATGGCAAAATTGAA-3'
Protein context (NP_000255.2, residues 593-613): PAILSMDLYR[Arg603Gly]EDRRLDIFCC

ClinVar aggregate classification (somatic clinical impact): Tier I - Strong (1 of 4 stars; one submission).

Conditions:
Medulloblastoma SHH activated. Identifiers: MedGen C4330671, MONDO:0850197.

Submission:

Institute for Genomic Medicine (IGM) Clinical Laboratory, Nationwide Children's Hospital
Classification: Tier I - Strong for Medulloblastoma SHH activated. Assertion type: diagnostic. Clinical significance: supports diagnosis. Last evaluated: 2024-01-16. Review status: criteria provided, single submitter. Criteria: AMP/ASCO/CAP Guidelines, 2017. Collection method: clinical testing. Allele origin: somatic. Affected: yes.
Comment: Variant has Tier I (strong) clinical significance as a diagnostic inclusion criterion in medulloblastoma SHH activated, based on the following evidence: 1) Diagnostic for a specific tumor type/classification according to professional guidelines (Evidence Level A; PMIDs: 21163964, 22820256, 22832583, 22722829, 28726821).

Literature cited by the submitters: PubMed 21163964; PubMed 22820256; PubMed 22832583; PubMed 22722829; PubMed 28726821.